The following is an entry in ClinVar:

NM_006371.5(CRTAP):c.1046A>G (p.Asp349Gly)

Gene: CRTAP (cartilage associated protein; plus strand). Cytogenetic location: 3p22.3.
Variant type: single nucleotide variant.
Coding change: c.1046A>G on transcript NM_006371.5 (MANE Select); coding-DNA position 1046, A replaced by G.
Protein change: p.Asp349Gly; replaces aspartic acid 349 with glycine.
Molecular consequence: missense variant.
Genome position (GRCh38, 1-based): chr3:33,132,678, A>G. VCF-style: chr3-33132678-A-G. GRCh37 (hg19) VCF-style: chr3-33174170-A-G.
Other names: c.1046A>G, p.Asp349Gly (NM_001393363.1); c.917A>G, p.Asp306Gly (NM_001393364.1); c.896A>G, p.Asp299Gly (NM_001393365.1); short protein forms D299G, D306G, D349G.
Identifiers: ClinVar variation 4876809 (VCV004876809.1).

ClinVar aggregate classification (germline): Likely pathogenic (1 of 4 stars; one submission).

Conditions:
Osteogenesis imperfecta type 7 (OI7). Also called: OSTEOGENESIS IMPERFECTA, TYPE IIB; Osteogenesis imperfecta type 2B; OI type 2B; Osteogenesis imperfecta, perinatal lethal autosomal recessive; OI type IIB; OI type 7. Identifiers: MedGen C1853162, MONDO:0012536, OMIM 610682.

gnomAD v4.1: 1 of 1,614,076 alleles (0.000062%); highest among the groups gnomAD compares: Non-Finnish European, 0.000085%; no homozygotes.

Submission:

Clinical Genetics Laboratory, Skane University Hospital Lund
Classification: Likely pathogenic for Osteogenesis imperfecta type 7. Last evaluated: 2026-07-17. Review status: criteria provided, single submitter. Criteria: ACMG Guidelines, 2015. Collection method: clinical testing. Allele origin: germline. Inheritance: Autosomal recessive inheritance. Affected: yes.
Comment: CRTAP (NM_006371.5) c.1046A>G, p.(Asp349Gly) causes a nucleotide substitution in exon 5 of 7, resulting in the amino acid substitution specified above. The amino acid substitution is not predicted to be damaging; however, the variant is located 23 base pairs upstream of the 3' end of exon 5 and is predicted by multiple independent splicing algorithms to create a novel donor splice site. This would result in the loss of 23 base pairs from the transcript, a frameshift, and a premature stop codon. CRTAP c.1046A>G has been observed once in a heterozygous state, but never in a homozygous state, in the general population (gnomAD v4.1.0) and has not been previously reported in ClinVar. At our laboratory, the variant was confirmed in trans with a likely pathogenic variant. The variant has been classified as likely pathogenic based on the following ACMG criteria: PS4_Supporting, PM2, PM3, PP3.

Literature cited by the submitters: PubMed 28116328.